The following is an entry in ClinVar:

NM_000063.6(C2):c.2050T>C (p.Phe684Leu)

Gene: C2 (complement C2; plus strand). Cytogenetic location: 6p21.33.
Variant type: single nucleotide variant.
Coding change: c.2050T>C on transcript NM_000063.6 (MANE Select); coding-DNA position 2050, T replaced by C.
Protein change: p.Phe684Leu; replaces phenylalanine 684 with leucine.
Molecular consequence: missense variant.
Genome position (GRCh38, 1-based): chr6:31,945,000, T>C. VCF-style: chr6-31945000-T-C. GRCh37 (hg19) VCF-style: chr6-31912777-T-C.
Other names: c.1654T>C, p.Phe552Leu (NM_001145903.3); c.1408T>C, p.Phe470Leu (NM_001178063.3); c.1312T>C, p.Phe438Leu (NM_001282457.2); c.1963T>C, p.Phe655Leu (NM_001282458.2); short protein forms F552L, F655L, F470L, F438L, F684L.
Identifiers: ClinVar variation 2114835 (VCV002114835.4), dbSNP rs1460563821, ClinGen allele CA363384775.

ClinVar aggregate classification (germline): Uncertain significance (1 of 4 stars; one submission).

Allele frequency attached by ClinVar (database versions not stated): gnomAD 0.00001; gnomAD exomes 0.00002.
gnomAD v4.1: 14 of 1,612,966 alleles (0.00087%); no homozygotes.

Submission:

Labcorp Genetics (formerly Invitae), Labcorp
Classification: Uncertain significance. Last evaluated: 2022-09-07. Review status: criteria provided, single submitter. Criteria: Invitae Variant Classification Sherloc (09022015). Collection method: clinical testing. Allele origin: germline.
Comment: In summary, the available evidence is currently insufficient to determine the role of this variant in disease. Therefore, it has been classified as a Variant of Uncertain Significance. Algorithms developed to predict the effect of missense changes on protein structure and function are either unavailable or do not agree on the potential impact of this missense change (SIFT: "Deleterious"; PolyPhen-2: "Benign"; Align-GVGD: "Class C0"). This variant has not been reported in the literature in individuals affected with C2-related conditions. This variant is present in population databases (no rsID available, gnomAD 0.02%). This sequence change replaces phenylalanine, which is neutral and non-polar, with leucine, which is neutral and non-polar, at codon 684 of the C2 protein (p.Phe684Leu).